The following is an entry in ClinVar:

NM_000038.6(APC):c.3067dup (p.Thr1023fs)

Gene: APC (APC regulator of Wnt signaling pathway; plus strand). Cytogenetic location: 5q22.2.
Variant type: Duplication.
Coding change: c.3067dup on transcript NM_000038.6 (MANE Select); coding-DNA position 3067, one base duplicated (A; older notation c.3067dupA).
Protein change: p.Thr1023fs; shifts the reading frame from threonine 1023.
Molecular consequence: frameshift variant.
Genome position (GRCh38, 1-based): chr5:112,838,661, A duplicated. VCF-style (leftmost placement, unchanged base first): chr5-112838660-T-TA. GRCh37 (hg19) VCF-style: chr5-112174357-T-TA.
Other names: c.3067dup, p.Thr1023fs (NM_001127510.3, NM_001354895.2); c.3013dup, p.Thr1005fs (NM_001127511.3); c.3121dup, p.Thr1041fs (NM_001354896.2); c.3097dup, p.Thr1033fs (NM_001354897.2); c.2992dup, p.Thr998fs (NM_001354898.2); c.2983dup, p.Thr995fs (NM_001354899.2); c.2944dup, p.Thr982fs (NM_001354900.2); c.2890dup, p.Thr964fs (NM_001354901.2); and 6 more; short protein forms T1005fs, T1041fs, T897fs, T932fs, T740fs, T922fs, T995fs, T998fs.
Identifiers: ClinVar variation 230713 (VCV000230713.17), dbSNP rs876658724, ClinGen allele CA10578349.

ClinVar aggregate classification (germline): Pathogenic. Review status: criteria provided, multiple submitters, no conflicts (2 of 4 stars). 3 submissions from 3 submitters: Pathogenic (2). 1 of the submissions does not count toward it. Last evaluated 2024-01-07.

Conditions:
Hereditary cancer-predisposing syndrome. Also called: Hereditary neoplastic syndrome; Tumor predisposition; Neoplastic Syndromes, Hereditary; Hereditary Cancer Syndrome. Identifiers: Orphanet 140162, MedGen C0027672, MeSH D009386, MONDO:0015356.
Carcinoma of colon (CRC). Also called: Colon carcinoma; Colonic carcinoma. Identifiers: MedGen C0699790, MONDO:0002032.
Familial adenomatous polyposis 1 (FAP1). Also called: POLYPOSIS, ADENOMATOUS INTESTINAL; FAMILIAL ADENOMATOUS POLYPOSIS 1, ATTENUATED. Identifiers: MedGen C2713442, MONDO:0021056, OMIM 175100. Disease mechanism: loss of function.

Submissions (3):

Labcorp Genetics (formerly Invitae), Labcorp
Classification: Pathogenic for Familial adenomatous polyposis 1. Last evaluated: 2024-01-07. Review status: criteria provided, single submitter. Criteria: Invitae Variant Classification Sherloc (09022015). Collection method: clinical testing. Allele origin: germline.
Comment: This sequence change creates a premature translational stop signal (p.Thr1023Asnfs*6) in the APC gene. While this is not anticipated to result in nonsense mediated decay, it is expected to disrupt the last 1821 amino acid(s) of the APC protein. This variant is not present in population databases (gnomAD no frequency). This premature translational stop signal has been observed in individual(s) with familial adenomatous polyposis (PMID: 11741105, 17604324, 20685668, 23159591). ClinVar contains an entry for this variant (Variation ID: 230713). This variant is expected to disrupt the EB1 and HDLG binding sites, which mediate interactions with the cytoskeleton (PMID: 15311282, 17293347). While functional studies have not been performed to directly test the effect on APC protein function, this suggests that disruption of the C-terminal portion of the protein is functionally important. A different truncation (p.Tyr2645Lysfs*14) that lies downstream of this variant has been determined to be pathogenic (PMID: 9824584, 1316610, 27081525, 8381579, 22135120, Invitae). This suggests that deletion of this region of the APC protein is causative of disease. For these reasons, this variant has been classified as Pathogenic.

Ambry Genetics
Classification: Pathogenic for Hereditary cancer-predisposing syndrome. Last evaluated: 2023-10-31. Review status: criteria provided, single submitter. Criteria: Ambry Variant Classification Scheme 2023. Collection method: clinical testing. Allele origin: germline.
Comment: The c.3067dupA pathogenic mutation, located in coding exon 15 of the APC gene, results from a duplication of A at nucleotide position 3067, causing a translational frameshift with a predicted alternate stop codon (p.T1023Nfs*6). This alteration has been previously identified in a family with classic familial adenomatous polyposis (FAP) with manifestations including >100 adenomatous polyps, hepatoblastoma and congenital hypertrophy of the retinal pigment epithelium (CHRPE) (Kerr SE et al, J Mol Diagn 2013 Jan; 15(1):31-43). It has also been described as a mosaic finding, occurring in 15% of lymphocytes in an individual with 35 polyps and no colon cancer (Hes FJ et al, Gut 2008 Jan; 57(1):71-6). In addition to the clinical data presented in the literature, this alteration is expected to result in loss of function by premature protein truncation. As such, this alteration is interpreted as a disease-causing mutation.

Department of Pathology and Laboratory Medicine, Sinai Health System
Classification: Uncertain significance for Carcinoma of colon. Review status: no assertion criteria provided. Collection method: clinical testing. Allele origin: unknown. Affected: yes. Observed: 1 variant allele. Study: The Canadian Open Genetics Repository (COGR). Not counted in ClinVar's aggregate classification.

Literature cited by the submitters: PubMed 11741105 (cited by Labcorp Genetics (formerly Invitae), Labcorp); PubMed 17604324 (cited by Labcorp Genetics (formerly Invitae), Labcorp and Ambry Genetics); PubMed 20685668 (cited by Labcorp Genetics (formerly Invitae), Labcorp); PubMed 23159591 (cited by Labcorp Genetics (formerly Invitae), Labcorp and Ambry Genetics); PubMed 15311282 (cited by Labcorp Genetics (formerly Invitae), Labcorp); PubMed 17293347 (cited by Labcorp Genetics (formerly Invitae), Labcorp); PubMed 9824584 (cited by Labcorp Genetics (formerly Invitae), Labcorp); PubMed 1316610 (cited by Labcorp Genetics (formerly Invitae), Labcorp); PubMed 27081525 (cited by Labcorp Genetics (formerly Invitae), Labcorp); PubMed 8381579 (cited by Labcorp Genetics (formerly Invitae), Labcorp); PubMed 22135120 (cited by Labcorp Genetics (formerly Invitae), Labcorp).